The following is an entry in ClinVar:

NM_001122630.2(CDKN1C):c.430G>A (p.Ala144Thr)

Gene: CDKN1C (cyclin dependent kinase inhibitor 1C; minus strand). Cytogenetic location: 11p15.4.
Variant type: single nucleotide variant.
Coding change: c.430G>A on transcript NM_001122630.2 (MANE Select); coding-DNA position 430, G replaced by A.
Protein change: p.Ala144Thr; replaces alanine 144 with threonine.
Molecular consequence: missense variant. On other transcripts: intron variant (1).
Genome position (GRCh38, 1-based): chr11:2,885,027, C>T on the plus strand (G>A on the coding strand, the complement: CDKN1C is on the minus strand). VCF-style: chr11-2885027-C-T. GRCh37 (hg19) VCF-style: chr11-2906257-C-T.
Other names: c.463G>A, p.Ala155Thr (NM_000076.2, NM_001362474.2); c.430G>A, p.Ala144Thr (NM_001122631.2); c.255+175G>A (NM_001362475.2); short protein forms A144T, A155T.
Identifiers: ClinVar variation 4805840 (VCV004805840.1).

ClinVar aggregate classification (germline): Uncertain significance (1 of 4 stars; one submission).

Conditions:
Beckwith-Wiedemann syndrome (BWS). Also called: Exomphalos macroglossia gigantism syndrome; EMG SYNDROME. Identifiers: Orphanet 116, MedGen C0004903, MONDO:0007534, OMIM 130650.

Submission:

Labcorp Genetics (formerly Invitae), Labcorp
Classification: Uncertain significance for Beckwith-Wiedemann syndrome. Last evaluated: 2025-06-25. Review status: criteria provided, single submitter. Criteria: Invitae Variant Classification Sherloc (09022015). Collection method: clinical testing. Allele origin: germline.
Comment: This sequence change replaces alanine, which is neutral and non-polar, with threonine, which is neutral and polar, at codon 155 of the CDKN1C protein (p.Ala155Thr). This variant is not present in population databases (gnomAD no frequency). This variant has not been reported in the literature in individuals affected with CDKN1C-related conditions. Experimental studies and prediction algorithms are not available or were not evaluated, and the functional significance of this variant is currently unknown. In summary, the available evidence is currently insufficient to determine the role of this variant in disease. Therefore, it has been classified as a Variant of Uncertain Significance.